The following is an entry in ClinVar:

ClinVar aggregate classification (germline): Uncertain significance (1 of 4 stars; one submission).

Conditions:
Nephrolithiasis/nephrocalcinosis. Identifiers: MedGen CN580796.

Submission:

Ambry Genetics
Classification: Uncertain significance for Nephrolithiasis/nephrocalcinosis. Last evaluated: 2022-08-03. Review status: criteria provided, single submitter. Criteria: Ambry Variant Classification Scheme 2023. Collection method: clinical testing. Allele origin: germline.
Comment: The p.T627A variant (also known as c.1879A>G), located in coding exon 6 of the CASR gene, results from an A to G substitution at nucleotide position 1879. The threonine at codon 627 is replaced by alanine, an amino acid with similar properties. This amino acid position is conserved. In addition, this alteration is predicted to be deleterious by in silico analysis. Since supporting evidence is limited at this time, the clinical significance of this alteration remains unclear.

NM_000388.4(CASR):c.1879A>G (p.Thr627Ala)

Gene: CASR (calcium sensing receptor; plus strand). Cytogenetic location: 3q21.1.
Variant type: single nucleotide variant.
Coding change: c.1879A>G on transcript NM_000388.4 (MANE Select); coding-DNA position 1879, A replaced by G.
Protein change: p.Thr627Ala; replaces threonine 627 with alanine.
Molecular consequence: missense variant.
Genome position (GRCh38, 1-based): chr3:122,283,833, A>G. VCF-style: chr3-122283833-A-G. GRCh37 (hg19) VCF-style: chr3-122002680-A-G.
Other names: c.1909A>G, p.Thr637Ala (NM_001178065.2); short protein forms T627A, T637A.
Identifiers: ClinVar variation 1781835 (VCV001781835.2), dbSNP rs2473276688, ClinGen allele CA354157803.